The following is an entry in ClinVar:

ClinVar aggregate classification (germline): Uncertain significance (1 of 4 stars; one submission).

Conditions:
Hereditary cancer-predisposing syndrome. Also called: Neoplastic Syndromes, Hereditary; Tumor predisposition; Hereditary Cancer Syndrome; Hereditary neoplastic syndrome. Identifiers: Orphanet 140162, MedGen C0027672, MeSH D009386, MONDO:0015356.

Submission:

Ambry Genetics
Classification: Uncertain significance for Hereditary cancer-predisposing syndrome. Last evaluated: 2026-03-03. Review status: criteria provided, single submitter. Criteria: Ambry Variant Classification Scheme 2023. Collection method: clinical testing. Allele origin: germline.
Comment: The c.19_21dupTCC variant (also known as p.S7dup), located in coding exon 1 of the NTHL1 gene, results from an in-frame duplication of TCC at nucleotide positions 19 to 21. This results in the duplication of an extra residue between codons 7 and 8. This amino acid position is not well conserved in available vertebrate species. In addition, this variant is predicted to be neutral by in silico analysis (Choi Y et al. PLoS ONE. 2012; 7(10):e46688). Based on the available evidence, the clinical significance of this variant remains unclear.

NM_002528.7(NTHL1):c.-6_-4dup

Gene: NTHL1 (nth like DNA glycosylase 1; minus strand). Cytogenetic location: 16p13.3.
Variant type: Duplication.
Coding change: c.-6_-4dup on transcript NM_002528.7 (MANE Select); 6 bases upstream of the start codon through 4 bases upstream of the start codon, 3 bases duplicated (TCC; older notation c.-6_-4dupTCC).
Molecular consequence: 5 prime UTR variant.
Genome position (GRCh38, 1-based): chr16:2,047,827-2,047,829, GGA duplicated on the plus strand (TCC on the coding strand, the reverse complement: NTHL1 is on the minus strand). VCF-style (leftmost placement, unchanged base first): chr16-2047826-C-CGGA. GRCh37 (hg19) VCF-style: chr16-2097827-C-CGGA.
Other names: c.-6_-4dup (NM_001318193.2); c.-184_-182dup (NM_001318194.2).
Identifiers: ClinVar variation 4826795 (VCV004826795.1).
Genomic context (GRCh38, chr16:2,047,826, plus strand): 5'-CAGCCCCGGGTCCCAGGCTCCGGCTCCGGGTCAGCATCCTCGCGCTCAAGGCGGTCATGC[C>CGGA]GGACTCCTGCGGACTACACATCCCGGCGGCCCATGCGGCCCCGTCACGTGATGCAAGGAT-3'